The following is an entry in ClinVar:

ClinVar aggregate classification (germline): Benign (1 of 4 stars; one submission).

Conditions:
Prostate cancer, hereditary, 9 (HPC9). Identifiers: Orphanet 1331, MedGen C1970250, MONDO:0012597, OMIM 610997.

Submission:

Myriad Genetics, Inc.
Classification: Benign for Prostate cancer, hereditary, 9. Last evaluated: 2024-10-30. Review status: criteria provided, single submitter. Criteria: Myriad Autosomal Dominant, Autosomal Recessive and X-Linked Classification Criteria (2023). Collection method: clinical testing. Allele origin: unknown.
Comment: This variant is considered benign. This variant is a silent/synonymous amino acid change and it is not expected to impact splicing.

NM_006361.6(HOXB13):c.687G>A (p.Arg229=)

Gene: HOXB13 (homeobox B13; minus strand). Cytogenetic location: 17q21.32.
Variant type: single nucleotide variant.
Coding change: c.687G>A on transcript NM_006361.6 (MANE Select); coding-DNA position 687, G replaced by A.
Protein change: p.Arg229=; no amino-acid change (arginine 229 retained).
Molecular consequence: synonymous variant.
Genome position (GRCh38, 1-based): chr17:48,726,958, C>T on the plus strand (G>A on the coding strand, the complement: HOXB13 is on the minus strand). VCF-style: chr17-48726958-C-T. GRCh37 (hg19) VCF-style: chr17-46804320-C-T.
Identifiers: ClinVar variation 3773032 (VCV003773032.1).
Genomic context (GRCh38, chr17:48,726,958, plus strand): 5'-GATCTTGCGCCTCTTGTCCTTGGTGATGAACTTGTTAGCCGCATACTCCCGCTCCAGCTC[C>T]CGCAACTGCCCCTTGCTGTACGGAATGCGTTTCTTGCGGCCGCGACGAAAGGCGCAGGCG-3'
Protein context (NP_006352.2, residues 219-239): KRIPYSKGQL[Arg229=]ELEREYAANK